The following is an entry in ClinVar:

NM_000543.5(SMPD1):c.1171A>C (p.Asn391His)

Gene: SMPD1 (sphingomyelin phosphodiesterase 1; plus strand). Cytogenetic location: 11p15.4.
Variant type: single nucleotide variant.
Coding change: c.1171A>C on transcript NM_000543.5 (MANE Select); coding-DNA position 1171, A replaced by C.
Protein change: p.Asn391His; replaces asparagine 391 with histidine.
Molecular consequence: missense variant. On other transcripts: non-coding transcript variant (1), intron variant (1).
Genome position (GRCh38, 1-based): chr11:6,393,295, A>C. VCF-style: chr11-6393295-A-C. GRCh37 (hg19) VCF-style: chr11-6414525-A-C.
Other names: p.Asn391His; c.1168A>C, p.Asn390His (NM_001007593.3); c.1171A>C, p.Asn391His (NM_001318087.2); c.250A>C, p.Asn84His (NM_001318088.2); c.1132-322A>C (NM_001365135.2); short protein forms N390H, N391H, N84H.
Identifiers: ClinVar variation 1173973 (VCV001173973.8), dbSNP rs2134017443, ClinGen allele CA379373203.
Genomic context (GRCh38, chr11:6,393,295, plus strand): 5'-CTTTCCCCATACCCCGGTCTCCGCCTCATCTCTCTCAATATGAATTTTTGTTCCCGTGAG[A>C]ACTTCTGGCTCTTGATCAACTCCACGGATCCCGCAGGACAGCTCCAGTGGCTGGTGGGGG-3'
Protein context (NP_000534.3, residues 381-401): SLNMNFCSRE[Asn391His]FWLLINSTDP

ClinVar aggregate classification (germline): Pathogenic/Likely pathogenic. Review status: criteria provided, multiple submitters, no conflicts (2 of 4 stars). 3 submissions from 3 submitters: Pathogenic (2); Likely pathogenic (1). Last evaluated 2025-07-07.

Conditions:
Niemann-Pick disease, type A. Also called: Infantile Neurovisceral ASMD (Niemann-Pick Disease Type A; NPD-A); SPHINGOMYELIN LIPIDOSIS; SPHINGOMYELINASE DEFICIENCY. Identifiers: Orphanet 77292, MedGen C0268242, MONDO:0009756, OMIM 257200. Disease mechanism: loss of function.
Niemann-Pick disease, type B. Also called: Chronic Visceral ASMD (Niemann-Pick Disease Type B; NPD-B). Identifiers: Orphanet 77293, MedGen C0268243, MONDO:0011871, OMIM 607616. Disease mechanism: loss of function.

Submissions (3):

Natera, Inc.
Classification: Likely pathogenic for Niemann-Pick Disease, Types A/B. Last evaluated: 2025-07-07. Review status: criteria provided, single submitter. Criteria: Natera Variant Classification Schema (03/2026). Collection method: clinical testing. Allele origin: germline.
Comment: The c.1171A>C variant in SMPD1 is a missense variant predicted to cause substitution of asparagine to histidine at amino acid 391. This variant is rare in the general population with a frequency below the threshold expected for the associated phenotype(s). This variant has been observed in one or more individuals affected with the associated recessive disease, as either homozygous or compound heterozygous with a second variant (PMID: 27338287). Functional studies show that this variant may disrupt protein function (PMID: 34273913). Computational prediction algorithms indicate this variant is likely to affect gene or protein function. Given the available evidence, this variant is classified as Likely Pathogenic.

Diagnostics Division, CENTRE FOR DNA FINGERPRINTING AND DIAGNOSTICS
Classification: Pathogenic for Niemann-Pick disease, type A. Last evaluated: 2021-04-25. Review status: criteria provided, single submitter. Criteria: ACMG Guidelines, 2015. Collection method: research. Allele origin: germline. Affected: yes. Observed: 1 variant allele.

Foundation for Research in Genetics and Endocrinology, FRIGE's Institute of Human Genetics
Classification: Pathogenic for Niemann-Pick disease, type A; Niemann-Pick disease, type B. Review status: criteria provided, single submitter. Criteria: ACMG Guidelines, 2015. Collection method: clinical testing. Allele origin: germline. Inheritance: Autosomal recessive inheritance. Affected: yes. Observed: 1 homozygote.
Comment: A homozygous missense variant in exon 3 of the SMPD1 gene that results in the amino acid substitution of Histidine for Asparagine at codon 391 was detected. The observed variant c.1171A>C (p.Asn391His) has not been reported in the 1000 genomes and gnomAD databases. The in silico prediction of the variant is damaging by LRT, SIFT, DANN, and MutationTaster2. The reference codon is conserved across species. Alternative variant p.Asn391Thr is classified as pathogenic in Uniprot and the variant has previously been observed in patients with NPC disease. In summary, the variant meets our criteria to be classified as pathogenic.

Literature cited by the submitters: PubMed 27338287 (cited by Natera, Inc.); PubMed 34273913 (cited by Natera, Inc.).